The following is an entry in ClinVar:

ClinVar aggregate classification (germline): Uncertain significance (1 of 4 stars; one submission).

Conditions:
Glycine encephalopathy. Also called: Nonketotic hyperglycinemia; Non-ketotic hyperglycinemia. Identifiers: Orphanet 407, MedGen C0751748, MONDO:0011612, HP:0008288.

Allele frequency attached by ClinVar (database versions not stated): gnomAD exomes below 0.00001.
gnomAD v4.1: 6 of 1,613,956 alleles (0.00037%); highest among the groups gnomAD compares: Non-Finnish European, 0.00042%; no homozygotes.

Submission:

Labcorp Genetics (formerly Invitae), Labcorp
Classification: Uncertain significance for Glycine encephalopathy. Last evaluated: 2022-11-01. Review status: criteria provided, single submitter. Criteria: Invitae Variant Classification Sherloc (09022015). Collection method: clinical testing. Allele origin: germline.
Comment: This sequence change replaces histidine, which is basic and polar, with tyrosine, which is neutral and polar, at codon 659 of the GLDC protein (p.His659Tyr). This variant is present in population databases (no rsID available, gnomAD 0.0009%). This variant has not been reported in the literature in individuals affected with GLDC-related conditions. Advanced modeling of protein sequence and biophysical properties (such as structural, functional, and spatial information, amino acid conservation, physicochemical variation, residue mobility, and thermodynamic stability) performed at Invitae indicates that this missense variant is not expected to disrupt GLDC protein function. In summary, the available evidence is currently insufficient to determine the role of this variant in disease. Therefore, it has been classified as a Variant of Uncertain Significance.

NM_000170.3(GLDC):c.1975C>T (p.His659Tyr)

Gene: GLDC (glycine decarboxylase; minus strand). Cytogenetic location: 9p24.1.
Variant type: single nucleotide variant.
Coding change: c.1975C>T on transcript NM_000170.3 (MANE Select); coding-DNA position 1975, C replaced by T.
Protein change: p.His659Tyr; replaces histidine 659 with tyrosine.
Molecular consequence: missense variant.
Genome position (GRCh38, 1-based): chr9:6,558,636, G>A on the plus strand (C>T on the coding strand, the complement: GLDC is on the minus strand). VCF-style: chr9-6558636-G-A. GRCh37 (hg19) VCF-style: chr9-6558636-G-A.
Other names: short protein forms H659Y.
Identifiers: ClinVar variation 2074019 (VCV002074019.1), dbSNP rs1330236076, ClinGen allele CA372881965.
Genomic context (GRCh38, chr9:6,558,636, plus strand): 5'-CTGCATCGATATTCCCATATTTATCCACCTCCACAGGCTGAATCTTCATGCCTGCCATGT[G>A]GGCACTTGCTGGGTTGGTCCCATGTGCTGATTTCGGAATGAGGCAAACCTACAGAATAGA-3'
Protein context (NP_000161.2, residues 649-669): SAHGTNPASA[His659Tyr]MAGMKIQPVE